The following is an entry in ClinVar:

ClinVar aggregate classification (germline): Uncertain significance (1 of 4 stars; one submission).

Submission:

Labcorp Genetics (formerly Invitae), Labcorp
Classification: Uncertain significance. Last evaluated: 2023-04-30. Review status: criteria provided, single submitter. Criteria: Invitae Variant Classification Sherloc (09022015). Collection method: clinical testing. Allele origin: germline.
Comment: This sequence change replaces glutamic acid, which is acidic and polar, with aspartic acid, which is acidic and polar, at codon 607 of the KIAA1549 protein (p.Glu607Asp). This variant is not present in population databases (gnomAD no frequency). This variant has not been reported in the literature in individuals affected with KIAA1549-related conditions. An algorithm developed to predict the effect of missense changes on protein structure and function (PolyPhen-2) suggests that this variant is likely to be tolerated. In summary, the available evidence is currently insufficient to determine the role of this variant in disease. Therefore, it has been classified as a Variant of Uncertain Significance.

NM_001164665.2(KIAA1549):c.1821A>C (p.Glu607Asp)

Gene: KIAA1549 (KIAA1549; minus strand). Cytogenetic location: 7q34.
Variant type: single nucleotide variant.
Coding change: c.1821A>C on transcript NM_001164665.2 (MANE Select); coding-DNA position 1821, A replaced by C.
Protein change: p.Glu607Asp; replaces glutamic acid 607 with aspartic acid.
Molecular consequence: missense variant.
Genome position (GRCh38, 1-based): chr7:138,917,805, T>G on the plus strand (A>C on the coding strand, the complement: KIAA1549 is on the minus strand). VCF-style: chr7-138917805-T-G. GRCh37 (hg19) VCF-style: chr7-138602551-T-G.
Other names: c.1821A>C, p.Glu607Asp (NM_020910.3); short protein forms E607D.
Identifiers: ClinVar variation 2873895 (VCV002873895.3), dbSNP rs2485557961, ClinGen allele CA369396745.